The following is an entry in ClinVar:

NM_003072.5(SMARCA4):c.310G>A (p.Ala104Thr)

Gene: SMARCA4 (SWI/SNF related BAF chromatin remodeling complex subunit ATPase 4; plus strand). Cytogenetic location: 19p13.2.
Variant type: single nucleotide variant.
Coding change: c.310G>A on transcript NM_003072.5 (MANE Select); coding-DNA position 310, G replaced by A.
Protein change: p.Ala104Thr; replaces alanine 104 with threonine.
Molecular consequence: missense variant. On other transcripts: non-coding transcript variant (1).
Genome position (GRCh38, 1-based): chr19:10,985,360, G>A. VCF-style: chr19-10985360-G-A. GRCh37 (hg19) VCF-style: chr19-11096036-G-A.
Other names: c.310G>A, p.Ala104Thr (NM_001128844.3, NM_001128845.2, NM_001128846.2 and 5 more transcripts); short protein forms A104T.
Identifiers: ClinVar variation 642407 (VCV000642407.9), dbSNP rs1599941622, ClinGen allele CA404055265.

ClinVar aggregate classification (germline): Uncertain significance. Review status: criteria provided, multiple submitters, no conflicts (2 of 4 stars). 2 submissions from 2 submitters: Uncertain significance (2). Last evaluated 2025-03-17.

Conditions:
Hereditary cancer-predisposing syndrome. Also called: Neoplastic Syndromes, Hereditary; Tumor predisposition; Hereditary neoplastic syndrome; Hereditary Cancer Syndrome. Identifiers: Orphanet 140162, MedGen C0027672, MeSH D009386, MONDO:0015356.
Rhabdoid tumor predisposition syndrome 2 (RTPS2). Identifiers: Orphanet 231108, Orphanet 69077, MedGen C2750074, MONDO:0013224, OMIM 613325.

Submissions (2):

Labcorp Genetics (formerly Invitae), Labcorp
Classification: Uncertain significance for Rhabdoid tumor predisposition syndrome 2. Last evaluated: 2025-03-17. Review status: criteria provided, single submitter. Criteria: Invitae Variant Classification Sherloc (09022015). Collection method: clinical testing. Allele origin: germline.
Comment: This sequence change replaces alanine, which is neutral and non-polar, with threonine, which is neutral and polar, at codon 104 of the SMARCA4 protein (p.Ala104Thr). This variant is not present in population databases (gnomAD no frequency). This variant has not been reported in the literature in individuals affected with SMARCA4-related conditions. ClinVar contains an entry for this variant (Variation ID: 642407). Invitae Evidence Modeling of protein sequence and biophysical properties (such as structural, functional, and spatial information, amino acid conservation, physicochemical variation, residue mobility, and thermodynamic stability) indicates that this missense variant is not expected to disrupt SMARCA4 protein function with a negative predictive value of 95%. In summary, the available evidence is currently insufficient to determine the role of this variant in disease. Therefore, it has been classified as a Variant of Uncertain Significance.

Ambry Genetics
Classification: Uncertain significance for Hereditary cancer-predisposing syndrome. Last evaluated: 2024-05-11. Review status: criteria provided, single submitter. Criteria: Ambry Variant Classification Scheme 2023. Collection method: clinical testing. Allele origin: germline.
Comment: The p.A104T variant (also known as c.310G>A), located in coding exon 2 of the SMARCA4 gene, results from a G to A substitution at nucleotide position 310. The alanine at codon 104 is replaced by threonine, an amino acid with similar properties. This amino acid position is conserved. In addition, this alteration is predicted to be tolerated by in silico analysis. Based on the available evidence, the clinical significance of this variant remains unclear.